The following is an entry in ClinVar:

ClinVar aggregate classification (germline): Uncertain significance (1 of 4 stars; one submission).

Submission:

Ambry Genetics
Classification: Uncertain significance. Last evaluated: 2023-05-21. Review status: criteria provided, single submitter. Criteria: Ambry Variant Classification Scheme 2023. Collection method: clinical testing. Allele origin: germline.
Comment: The p.D1257Y variant (also known as c.3769G>T), located in coding exon 16 of the POLQ gene, results from a G to T substitution at nucleotide position 3769. The aspartic acid at codon 1257 is replaced by tyrosine, an amino acid with highly dissimilar properties. This amino acid position is conserved. In addition, this alteration is predicted to be tolerated by in silico analysis. Since supporting evidence is limited at this time, the clinical significance of this alteration remains unclear.

NM_199420.4(POLQ):c.3769G>T (p.Asp1257Tyr)

Gene: POLQ (DNA polymerase theta; minus strand). Cytogenetic location: 3q13.33.
Variant type: single nucleotide variant.
Coding change: c.3769G>T on transcript NM_199420.4 (MANE Select); coding-DNA position 3769, G replaced by T.
Protein change: p.Asp1257Tyr; replaces aspartic acid 1257 with tyrosine.
Molecular consequence: missense variant.
Genome position (GRCh38, 1-based): chr3:121,489,162, C>A on the plus strand (G>T on the coding strand, the complement: POLQ is on the minus strand). VCF-style: chr3-121489162-C-A. GRCh37 (hg19) VCF-style: chr3-121208009-C-A.
Other names: short protein forms D1257Y.
Identifiers: ClinVar variation 2560564 (VCV002560564.2), dbSNP rs773206408, ClinGen allele CA354097385.